The following is an entry in ClinVar:

ClinVar aggregate classification (germline): Pathogenic (1 of 4 stars; one submission).

Conditions:
Kennedy disease (SMAX1). Also called: SPINAL AND BULBAR MUSCULAR ATROPHY, X-LINKED 1; KENNEDY SPINAL AND BULBAR MUSCULAR ATROPHY; Spinal and Bulbar Muscular Atrophy. Identifiers: Orphanet 481, MedGen C1839259, MONDO:0010735, OMIM 313200.
Androgen resistance syndrome (AIS). Also called: DHTR DEFICIENCY; DIHYDROTESTOSTERONE RECEPTOR DEFICIENCY; ANDROGEN RECEPTOR DEFICIENCY; TESTICULAR FEMINIZATION SYNDROME; Androgen insensitivity syndrome; Androgen insensitivity. Identifiers: Orphanet 754, Orphanet 99429, MedGen C0039585, MONDO:0019154, OMIM 300068. Disease mechanism: loss of function.

Submission:

Labcorp Genetics (formerly Invitae), Labcorp
Classification: Pathogenic for Kennedy disease; Androgen resistance syndrome. Last evaluated: 2023-09-27. Review status: criteria provided, single submitter. Criteria: Invitae Variant Classification Sherloc (09022015). Collection method: clinical testing. Allele origin: germline.
Comment: This sequence change creates a premature translational stop signal (p.Cys615Phefs*11) in the AR gene. It is expected to result in an absent or disrupted protein product. Loss-of-function variants in AR are known to be pathogenic (PMID: 19463997). This variant is not present in population databases (gnomAD no frequency). This variant has not been reported in the literature in individuals affected with AR-related conditions. For these reasons, this variant has been classified as Pathogenic.

Literature cited by the submitters: PubMed 19463997.

NM_000044.6(AR):c.1844del (p.Cys615fs)

Gene: AR (androgen receptor; plus strand). Cytogenetic location: Xq12.
Variant type: Deletion.
Coding change: c.1844del on transcript NM_000044.6 (MANE Select); coding-DNA position 1844, one base deleted (G; older notation c.1844delG).
Protein change: p.Cys615fs; shifts the reading frame from cysteine 615.
Molecular consequence: frameshift variant. On other transcripts: 3 prime UTR variant (1).
Genome position (GRCh38, 1-based): chrX:67,686,085, G deleted. VCF-style (leftmost placement, unchanged base first): chrX-67686084-TG-T. GRCh37 (hg19) VCF-style: chrX-66905926-TG-T.
Other names: c.248del, p.Cys83fs (NM_001011645.3); c.1844del, p.Cys615fs (NM_001348061.1, NM_001348063.1); c.*42del (NM_001348064.1); c.1847delG, p.Cys616Phefs (NM_001424175.1); short protein forms C83fs, C615fs.
Identifiers: ClinVar variation 2952341 (VCV002952341.3), dbSNP rs2519800864, ClinGen allele CA2740092172.
Genomic context (GRCh38, chrX:67,686,084, plus strand): 5'-CTGTGCGCCAGCAGAAATGATTGCACTATTGATAAATTCCGAAGGAAAAATTGTCCATCT[TG>T]TCGTCTTCGGAAATGTTATGAAGCAGGGATGACTCTGGGAGGTAAGATACTTTTCTTTCT-3'